The following is an entry in ClinVar:

NM_001287491.2(TET3):c.1497GGCCCC[3] (p.Pro503_Ser504insAlaPro)

Gene: TET3 (tet methylcytosine dioxygenase 3; plus strand). Cytogenetic location: 2p13.1.
Variant type: Microsatellite.
Coding change: c.1497GGCCCC[3] on transcript NM_001287491.2 (MANE Select); three copies in a row of the 6-base unit GGCCCC starting at c.1497; the reference has two copies in a row; one copy, 6 bases duplicated.
Protein change: p.Pro503_Ser504insAlaPro.
Genome position (GRCh38, 1-based): chr2:74,047,420-74,047,425, GGCCCC duplicated; duplicating any 6 consecutive bases within chr2:74,047,410-74,047,425 gives the same sequence; the position shown is the placement nearest the transcript's 3' end. VCF-style (leftmost placement, unchanged base first): chr2-74047409-T-TCCCCGG. GRCh37 (hg19) VCF-style: chr2-74274536-T-TCCCCGG.
Other names: c.1218GGCCCC[3], p.Pro410_Ser411insAlaPro (NM_001366022.1).
Identifiers: ClinVar variation 3365807 (VCV003365807.1).

ClinVar aggregate classification (germline): Uncertain significance (1 of 4 stars; one submission).

Submission:

GeneDx
Classification: Uncertain significance. Last evaluated: 2023-12-26. Review status: criteria provided, single submitter. Criteria: GeneDx Variant Classification Process June 2021. Collection method: clinical testing. Allele origin: germline. Affected: yes.
Comment: In-frame duplication of 2 amino acids in a non-repeat region; Has not been previously published as pathogenic or benign to our knowledge